The following is an entry in ClinVar:

ClinVar aggregate classification (germline): Pathogenic (1 of 4 stars; one submission).

Conditions:
Fabry disease. Also called: ALPHA-GALACTOSIDASE A DEFICIENCY; ANDERSON-FABRY DISEASE; CERAMIDE TRIHEXOSIDASE DEFICIENCY; GLA DEFICIENCY; HEREDITARY DYSTOPIC LIPIDOSIS; Angiokeratoma corporis diffusum. Identifiers: Orphanet 324, MedGen C0002986, MONDO:0010526, OMIM 301500, HP:0001071. Disease mechanism: Fabry disease is due to inactivating mutations in the X-linked GLA gene resulting in deficiency of the enzyme Alpha Galactosidase-A., loss of function.

Submission:

Genomenon, Inc
Classification: Pathogenic for Fabry disease. Last evaluated: 2026-09-08. Review status: criteria provided, single submitter. Criteria: Genomenon Sequence Variant Interpretation Standards - Updated. Collection method: curation. Allele origin: germline. Affected: yes.
Comment: GLA p.Ser364LeufsTer10 (c.1091_1092del) is a frameshift variant that is predicted to introduce a premature termination codon and result in a truncated or absent protein product. This variant has been observed in at least one proband with clinical features consistent with Fabry disease (PMID:33915609;31568064). Functional or patient cell studies have been reported (PMID:33915609). It is absent or not present at a significant frequency in gnomAD. In conclusion, we classify GLA p.Ser364LeufsTer10 (c.1091_1092del) as a pathogenic variant.

Literature cited by the submitters: PubMed 33915609; PubMed 31568064.

NM_000169.3(GLA):c.1091_1092del (p.Ser364fs)

Genes: GLA (galactosidase alpha; minus strand), RPL36A-HNRNPH2 (RPL36A-HNRNPH2 readthrough; plus strand). Cytogenetic location: Xq22.1.
Variant type: Microsatellite.
Coding change: c.1091_1092del on transcript NM_000169.3 (MANE Select); coding-DNA positions 1091 to 1092, 2 bases deleted (CT; older notation c.1091_1092delCT).
Protein change: p.Ser364fs; shifts the reading frame from serine 364.
Molecular consequence: frameshift variant. On other transcripts: non-coding transcript variant (3), intron variant (2).
Genome position (GRCh38, 1-based): chrX:101,398,007-101,398,008, AG deleted on the plus strand (CT on the coding strand, the reverse complement: GLA is on the minus strand); deleting any 2 consecutive bases within chrX:101,398,007-101,398,010 gives the same sequence; the c. name uses the placement nearest the transcript's 3' end. VCF-style (leftmost placement, unchanged base first): chrX-101398006-AAG-A. GRCh37 (hg19) VCF-style: chrX-100652994-AAG-A.
Other names: c.1214_1215del, p.Ser405fs (NM_001406747.1); c.300+2552_300+2553del (NM_001199973.2); c.177+6187_177+6188del (NM_001199974.2); short protein forms S364fs, S405fs.
Identifiers: ClinVar variation 4087058 (VCV004087058.2).